The following is an entry in ClinVar:

ClinVar aggregate classification (germline): Pathogenic (1 of 4 stars; one submission).

Submission:

GeneDx
Classification: Pathogenic. Last evaluated: 2017-12-08. Review status: criteria provided, single submitter. Criteria: GeneDx Variant Classification (06012015). Collection method: clinical testing. Allele origin: germline. Affected: yes.
Comment: The c.756+5G>A variant in the MID1 gene has not been reported previously as a pathogenic variant nor as a benign variant, to our knowledge. This splice site variant destroys the natural splice donor site in intron 3, and a strong cryptic splice donor site is predicted downstream of the canonical site which would result in a frameshift. It is predicted to cause abnormal gene splicing, either leading to an abnormal message that is subject to nonsense-mediated mRNA decay, or to an abnormal protein product if the message is used for protein translation. The c.756+5G>A variant is not observed in large population cohorts (Lek et al., 2016). We interpret c.756+5G>A as a pathogenic variant

NM_000381.4(MID1):c.756+5G>A

Gene: MID1 (midline 1; minus strand). Cytogenetic location: Xp22.2.
Variant type: single nucleotide variant.
Coding change: c.756+5G>A on transcript NM_000381.4 (MANE Select); 5 bases into the intron after coding-DNA position 756, G replaced by A.
Molecular consequence: intron variant.
Genome position (GRCh38, 1-based): chrX:10,523,087, C>T on the plus strand (G>A on the coding strand, the complement: MID1 is on the minus strand). VCF-style: chrX-10523087-C-T. GRCh37 (hg19) VCF-style: chrX-10491127-C-T.
Other names: c.756+5G>A (NM_033290.4, NM_001098624.2, NM_001347733.2 and 3 more transcripts); c.642+5G>A (NM_033289.2, NM_001193280.1).
Identifiers: ClinVar variation 489249 (VCV000489249.2), dbSNP rs1555899082, ClinGen allele CA658684278.